The following is an entry in ClinVar:

NM_212550.5(BLOC1S3):c.221C>T (p.Thr74Met)

Gene: BLOC1S3 (biogenesis of lysosomal organelles complex 1 subunit 3; plus strand). Cytogenetic location: 19q13.32.
Variant type: single nucleotide variant.
Coding change: c.221C>T on transcript NM_212550.5 (MANE Select); coding-DNA position 221, C replaced by T.
Protein change: p.Thr74Met; replaces threonine 74 with methionine.
Molecular consequence: missense variant.
Genome position (GRCh38, 1-based): chr19:45,179,517, C>T. VCF-style: chr19-45179517-C-T. GRCh37 (hg19) VCF-style: chr19-45682775-C-T.
Other names: short protein forms T74M.
Identifiers: ClinVar variation 4727734 (VCV004727734.1).

ClinVar aggregate classification (germline): Uncertain significance (1 of 4 stars; one submission).

gnomAD v4.1: 1 of 1,523,278 alleles (0.000066%); highest among the groups gnomAD compares: Non-Finnish European, 0.000088%; no homozygotes.

Submission:

Labcorp Genetics (formerly Invitae), Labcorp
Classification: Uncertain significance. Last evaluated: 2025-10-01. Review status: criteria provided, single submitter. Criteria: Invitae Variant Classification Sherloc (09022015). Collection method: clinical testing. Allele origin: germline.
Comment: This sequence change replaces threonine, which is neutral and polar, with methionine, which is neutral and non-polar, at codon 74 of the BLOC1S3 protein (p.Thr74Met). This variant is not present in population databases (gnomAD no frequency). This variant has not been reported in the literature in individuals affected with BLOC1S3-related conditions. An algorithm developed to predict the effect of missense changes on protein structure and function (PolyPhen-2) suggests that this variant is likely to be tolerated. In summary, the available evidence is currently insufficient to determine the role of this variant in disease. Therefore, it has been classified as a Variant of Uncertain Significance.